The following is an entry in ClinVar:

ClinVar aggregate classification (germline): Pathogenic. Review status: criteria provided, single submitter (1 of 4 stars). 2 submissions from 2 submitters: Pathogenic (1). 1 of the submissions does not count toward it. Last evaluated 2024-02-07.

Conditions:
Poirier-Bienvenu neurodevelopmental syndrome (POBINDS). Identifiers: Orphanet 689397, MedGen C5231482, MONDO:0032889, OMIM 618732.

Submissions (2):

GeneDx
Classification: Pathogenic. Last evaluated: 2024-02-07. Review status: criteria provided, single submitter. Criteria: GeneDx Variant Classification Process June 2021. Collection method: clinical testing. Allele origin: germline.
Comment: Not observed at significant frequency in large population cohorts (gnomAD); Nonsense variant predicted to result in protein truncation or nonsense mediated decay in a gene for which loss of function is a known mechanism of disease; This variant is associated with the following publications: (PMID: 35205321, 35693553, 34740143)

Department of Neurology, Children's Hospital of Nanjing Medical University
Classification: Pathogenic for Poirier-Bienvenu neurodevelopmental syndrome. Last evaluated: 2025-01-03. Review status: no assertion criteria provided. Collection method: clinical testing. Allele origin: de novo. Inheritance: Sporadic. Affected: yes. Observed: 1 variant allele, 1 heterozygote. Not counted in ClinVar's aggregate classification.
Comment: The LOF variant in this gene has been confirmed as the pathogenic mechanism of the disease, constituting a Null variant that is likely to introduce a premature termination codon in biologically relevant exons and trigger nonsense-mediated mRNA decay (NMD). This variant has been detected as de novo in one or more phenotypically relevant families with confirmed pedigree relationships, meeting the criterion 1 ≤ PS2-Case_Score < 2. The variant shows phenotypic enrichment in at least two probands (for dominant disorders) or three probands (for recessive disorders), with the phenotype matching that caused by the associated gene. The allele frequency in population databases is less than 0.0005.

Literature cited by the submitters: PubMed 34740143 (cited by Department of Neurology, Children's Hospital of Nanjing Medical University).

NM_001320.7(CSNK2B):c.27G>A (p.Trp9Ter)

Gene: CSNK2B (casein kinase 2 beta; plus strand). Cytogenetic location: 6p21.33.
Variant type: single nucleotide variant.
Coding change: c.27G>A on transcript NM_001320.7 (MANE Select); coding-DNA position 27, G replaced by A.
Protein change: p.Trp9Ter; replaces tryptophan 9 with a stop codon.
Molecular consequence: nonsense.
Genome position (GRCh38, 1-based): chr6:31,666,858, G>A. VCF-style: chr6-31666858-G-A. GRCh37 (hg19) VCF-style: chr6-31634635-G-A.
Other names: c.27G>A, p.Trp9Ter (NM_001282385.2); short protein forms W9*.
Identifiers: ClinVar variation 2446135 (VCV002446135.3), dbSNP rs2536947667, ClinGen allele CA363469328.